The following is an entry in ClinVar:

ClinVar aggregate classification (germline): Uncertain significance. Review status: criteria provided, multiple submitters, no conflicts (2 of 4 stars). 5 submissions from 5 submitters: Uncertain significance (5). Last evaluated 2024-12-02.

Conditions:
Cardiofaciocutaneous syndrome 4 (CFC4). Also called: MAP2K2-Related Cardiofaciocutaneous Syndrome. Identifiers: Orphanet 1340, MedGen C3809007, MONDO:0014114, OMIM 615280.
RASopathy. Also called: rasopathies; Noonan spectrum disorder. Identifiers: Orphanet 536391, MedGen C5555857, MONDO:0021060.

Submissions (5):

Labcorp Genetics (formerly Invitae), Labcorp
Classification: Uncertain significance for RASopathy. Last evaluated: 2024-12-02. Review status: criteria provided, single submitter. Criteria: Invitae Variant Classification Sherloc (09022015). Collection method: clinical testing. Allele origin: germline.
Comment: This sequence change creates a premature translational stop signal (p.Leu54Trpfs*49) in the MAP2K2 gene. It is expected to result in an absent or disrupted protein product. However, the current clinical and genetic evidence is not sufficient to establish whether loss-of-function variants in MAP2K2 cause disease. This variant is present in population databases (rs777549760, gnomAD 0.01%). This variant has not been reported in the literature in individuals affected with MAP2K2-related conditions. ClinVar contains an entry for this variant (Variation ID: 372639). In summary, the available evidence is currently insufficient to determine the role of this variant in disease. Therefore, it has been classified as a Variant of Uncertain Significance.

Fulgent Genetics
Classification: Uncertain significance for Cardiofaciocutaneous syndrome 4. Last evaluated: 2024-01-02. Review status: criteria provided, single submitter. Criteria: ACMG Guidelines, 2015. Collection method: clinical testing. Allele origin: germline.

AiLife Diagnostics
Classification: Uncertain significance. Last evaluated: 2021-10-20. Review status: criteria provided, single submitter. Criteria: ACMG Guidelines, 2015. Collection method: clinical testing. Allele origin: germline. Affected: yes. Observed: 1 variant allele.

Women's Health and Genetics/Laboratory Corporation of America, LabCorp
Classification: Uncertain significance. Last evaluated: 2020-06-01. Review status: criteria provided, single submitter. Criteria: LabCorp Variant Classification Summary - May 2015. Collection method: clinical testing. Allele origin: germline.
Comment: Variant summary: MAP2K2 c.159delG (p.Leu54TrpfsX49) results in a premature termination codon, predicted to cause a truncation of the encoded protein or absence of the protein due to nonsense mediated decay. The variant allele was found at a frequency of 1.6e-05 in 251404 control chromosomes (gnomAD). The available data on variant occurrences in the general population are insufficient to allow any conclusion about variant significance. To our knowledge, no occurrence of c.159delG in individuals affected with Noonan Syndrome and Related Conditions and no experimental evidence demonstrating its impact on protein function have been reported. One ClinVar submitter (evaluation after 2014) cite the variant as uncertain significance. Based on the evidence outlined above, the variant was classified as uncertain significance.

GeneDx
Classification: Uncertain significance. Last evaluated: 2019-04-12. Review status: criteria provided, single submitter. Criteria: GeneDx Variant Classification Process June 2021. Collection method: clinical testing. Allele origin: germline. Affected: yes.
Comment: Frameshift variant predicted to result in protein truncation or nonsense mediated decay; No frameshift variants in the MAP2K2 gene have been reported in HGMD in association with cardiac abnormalities (Stenson et al., 2014); Has not been previously published as pathogenic or benign to our knowledge

NM_030662.4(MAP2K2):c.159del (p.Leu54fs)

Gene: MAP2K2 (mitogen-activated protein kinase kinase 2; minus strand). Cytogenetic location: 19p13.3.
Variant type: Deletion.
Coding change: c.159del on transcript NM_030662.4 (MANE Select); coding-DNA position 159, one base deleted (G; older notation c.159delG).
Protein change: p.Leu54fs; shifts the reading frame from leucine 54.
Molecular consequence: frameshift variant.
Genome position (GRCh38, 1-based): chr19:4,117,563, C deleted on the plus strand (G on the coding strand, the reverse complement: MAP2K2 is on the minus strand); the first of 2 consecutive C bases (chr19:4,117,563-4,117,564); deleting either gives the same sequence. VCF-style (leftmost placement, unchanged base first): chr19-4117562-GC-G. GRCh37 (hg19) VCF-style: chr19-4117560-GC-G.
Other names: c.159delG (NM_030662.3); short protein forms L54fs.
Identifiers: ClinVar variation 372639 (VCV000372639.11), dbSNP rs777549760, ClinGen allele CA9091083.